The following is an entry in ClinVar:

ClinVar aggregate classification (germline): Uncertain significance. Review status: criteria provided, multiple submitters, no conflicts (2 of 4 stars). 2 submissions from 2 submitters: Uncertain significance (2). Last evaluated 2026-02-01.

Conditions:
Cowden syndrome 6 (CWS6). Identifiers: Orphanet 201, MedGen C3554519, MONDO:0014048, OMIM 615109.

Allele frequency attached by ClinVar (database versions not stated): gnomAD 0.00001; TOPMed 0.00001.
gnomAD v4.1: 8 of 1,613,950 alleles (0.0005%); highest among the groups gnomAD compares: Admixed American, 0.0017%; no homozygotes.

Submissions (2):

CeGaT Center for Human Genetics Tuebingen
Classification: Uncertain significance. Last evaluated: 2026-02-01. Review status: criteria provided, single submitter. Criteria: CeGaT Center For Human Genetics Tuebingen Variant Classification Criteria Version 2. Collection method: clinical testing. Allele origin: germline. Affected: yes. Observed: 1 variant allele.
Comment: AKT1: PM2

Labcorp Genetics (formerly Invitae), Labcorp
Classification: Uncertain significance for Cowden syndrome 6. Last evaluated: 2024-02-06. Review status: criteria provided, single submitter. Criteria: Invitae Variant Classification Sherloc (09022015). Collection method: clinical testing. Allele origin: germline.
Comment: This sequence change replaces arginine, which is basic and polar, with cysteine, which is neutral and slightly polar, at codon 367 of the AKT1 protein (p.Arg367Cys). This variant is present in population databases (rs762705090, gnomAD 0.007%). This variant has not been reported in the literature in individuals affected with AKT1-related conditions. ClinVar contains an entry for this variant (Variation ID: 659022). An algorithm developed to predict the effect of missense changes on protein structure and function (PolyPhen-2) suggests that this variant is likely to be tolerated. In summary, the available evidence is currently insufficient to determine the role of this variant in disease. Therefore, it has been classified as a Variant of Uncertain Significance.

NM_001382430.1(AKT1):c.1099C>T (p.Arg367Cys)

Gene: AKT1 (AKT serine/threonine kinase 1; minus strand). Cytogenetic location: 14q32.33.
Variant type: single nucleotide variant.
Coding change: c.1099C>T on transcript NM_001382430.1 (MANE Select); coding-DNA position 1099, C replaced by T.
Protein change: p.Arg367Cys; replaces arginine 367 with cysteine.
Molecular consequence: missense variant.
Genome position (GRCh38, 1-based): chr14:104,772,951, G>A on the plus strand (C>T on the coding strand, the complement: AKT1 is on the minus strand). VCF-style: chr14-104772951-G-A. GRCh37 (hg19) VCF-style: chr14-105239288-G-A.
Other names: c.1099C>T, p.Arg367Cys (NM_001014431.2, NM_001014432.2, NM_001382431.1 and 3 more transcripts); short protein forms R367C.
Identifiers: ClinVar variation 659022 (VCV000659022.12), dbSNP rs762705090, ClinGen allele CA7374572.